The following is an entry in ClinVar:

NM_000349.3(STAR):c.163C>T (p.Arg55Trp)

Gene: STAR (steroidogenic acute regulatory protein; minus strand). Cytogenetic location: 8p11.23.
Variant type: single nucleotide variant.
Coding change: c.163C>T on transcript NM_000349.3 (MANE Select); coding-DNA position 163, C replaced by T.
Protein change: p.Arg55Trp; replaces arginine 55 with tryptophan.
Molecular consequence: missense variant.
Genome position (GRCh38, 1-based): chr8:38,148,656, G>A on the plus strand (C>T on the coding strand, the complement: STAR is on the minus strand). VCF-style: chr8-38148656-G-A. GRCh37 (hg19) VCF-style: chr8-38006174-G-A.
Other names: c.163C>T (NM_000349.2); short protein forms R55W.
Identifiers: ClinVar variation 2150807 (VCV002150807.3), dbSNP rs151075160, ClinGen allele CA4715336.
Genomic context (GRCh38, chr8:38,148,656, plus strand): 5'-ACCTCCTGCCAGCAGCACCAGGAGCCCAGAAGCCTCAGCACTTACCGAGTAGAGAGCTCC[G>A]CCGCCGAACCTGGTTAATCCACGTGCTAGGGGTGGGGCCCCCCAGGGCCCTCCGGTTCAG-3'
Protein context (NP_000340.2, residues 45-65): PSTWINQVRR[Arg55Trp]SSLLGSRLEE

ClinVar aggregate classification (germline): Uncertain significance. Review status: criteria provided, multiple submitters, no conflicts (2 of 4 stars). 3 submissions from 3 submitters: Uncertain significance (3). Last evaluated 2026-01-21.

Conditions:
Inborn genetic diseases. Identifiers: MedGen C0950123, MeSH D030342.
STAR-related disorder. Also called: STAR-related condition.

Allele frequency attached by ClinVar (database versions not stated): TOPMed 0.00009; ExAC 0.00011; gnomAD 0.00013; ESP Exome Variant Server 0.00015; 1000 Genomes Project 30x 0.00016; 1000 Genomes Project 0.00020.

Submissions (3):

PreventionGenetics, part of Exact Sciences
Classification: Uncertain significance for STAR-related condition. Last evaluated: 2026-01-21. Review status: criteria provided, single submitter. Criteria: ACMG Guidelines, 2015. Collection method: clinical testing. Allele origin: germline.
Comment: The STAR c.163C>T variant is predicted to result in the amino acid substitution p.Arg55Trp. To our knowledge, this variant has not been reported in the literature. This variant is reported in 0.019% of alleles in individuals of European (Non-Finnish) descent in gnomAD. At this time, the clinical significance of this variant is uncertain due to the absence of conclusive functional and genetic evidence.

Ambry Genetics
Classification: Uncertain significance for Inborn genetic diseases. Last evaluated: 2023-10-03. Review status: criteria provided, single submitter. Criteria: Ambry Variant Classification Scheme 2023. Collection method: clinical testing. Allele origin: germline.

Labcorp Genetics (formerly Invitae), Labcorp
Classification: Uncertain significance. Last evaluated: 2021-10-14. Review status: criteria provided, single submitter. Criteria: Invitae Variant Classification Sherloc (09022015). Collection method: clinical testing. Allele origin: germline.
Comment: This sequence change replaces arginine with tryptophan at codon 55 of the STAR protein (p.Arg55Trp). The arginine residue is highly conserved and there is a moderate physicochemical difference between arginine and tryptophan. This variant is present in population databases (rs151075160, ExAC 0.02%). This variant has not been reported in the literature in individuals affected with STAR-related conditions. Algorithms developed to predict the effect of missense changes on protein structure and function are either unavailable or do not agree on the potential impact of this missense change (SIFT: "Deleterious"; PolyPhen-2: "Benign"; Align-GVGD: "Class C35"). In summary, the available evidence is currently insufficient to determine the role of this variant in disease. Therefore, it has been classified as a Variant of Uncertain Significance.